The following is an entry in ClinVar:

NM_001352754.2(ARMC9):c.256A>C (p.Ile86Leu)

Gene: ARMC9 (armadillo repeat containing 9; plus strand). Cytogenetic location: 2q37.1.
Variant type: single nucleotide variant.
Coding change: c.256A>C on transcript NM_001352754.2 (MANE Select); coding-DNA position 256, A replaced by C.
Protein change: p.Ile86Leu; replaces isoleucine 86 with leucine.
Molecular consequence: missense variant. On other transcripts: non-coding transcript variant (1).
Genome position (GRCh38, 1-based): chr2:231,214,909, A>C. VCF-style: chr2-231214909-A-C. GRCh37 (hg19) VCF-style: chr2-232079622-A-C.
Other names: c.256A>C (NM_025139.3); c.256A>C, p.Ile86Leu (NM_001271466.4, NM_001291656.2, NM_001352755.2 and 5 more transcripts); short protein forms I86L.
Identifiers: ClinVar variation 1434839 (VCV001434839.7), dbSNP rs746287033, ClinGen allele CA2159887.

ClinVar aggregate classification (germline): Uncertain significance. Review status: criteria provided, multiple submitters, no conflicts (2 of 4 stars). 2 submissions from 2 submitters: Uncertain significance (2). Last evaluated 2024-11-08.

Conditions:
Inborn genetic diseases. Identifiers: MedGen C0950123, MeSH D030342.

Allele frequency attached by ClinVar (database versions not stated): ExAC 0.00001; gnomAD exomes 0.00001.
gnomAD v4.1: 3 of 1,614,190 alleles (0.00019%); highest among the groups gnomAD compares: South Asian, 0.0033%; no homozygotes.

Submissions (2):

Ambry Genetics
Classification: Uncertain significance for Inborn genetic diseases. Last evaluated: 2024-11-08. Review status: criteria provided, single submitter. Criteria: Ambry Variant Classification Scheme 2023. Collection method: clinical testing. Allele origin: germline.

Labcorp Genetics (formerly Invitae), Labcorp
Classification: Uncertain significance. Last evaluated: 2021-06-22. Review status: criteria provided, single submitter. Criteria: Invitae Variant Classification Sherloc (09022015). Collection method: clinical testing. Allele origin: germline.
Comment: This sequence change replaces isoleucine with leucine at codon 86 of the ARMC9 protein (p.Ile86Leu). The isoleucine residue is weakly conserved and there is a small physicochemical difference between isoleucine and leucine. This variant is present in population databases (rs746287033, ExAC 0.006%). This variant has not been reported in the literature in individuals affected with ARMC9-related conditions. Experimental studies and prediction algorithms are not available or were not evaluated, and the functional significance of this variant is currently unknown. In summary, the available evidence is currently insufficient to determine the role of this variant in disease. Therefore, it has been classified as a Variant of Uncertain Significance.